The following is an entry in ClinVar:

NM_006214.4(PHYH):c.928A>G (p.Lys310Glu)

Gene: PHYH (phytanoyl-CoA 2-hydroxylase; minus strand). Cytogenetic location: 10p13.
Variant type: single nucleotide variant.
Coding change: c.928A>G on transcript NM_006214.4 (MANE Select); coding-DNA position 928, A replaced by G.
Protein change: p.Lys310Glu; replaces lysine 310 with glutamic acid.
Molecular consequence: missense variant.
Genome position (GRCh38, 1-based): chr10:13,281,011, T>C on the plus strand (A>G on the coding strand, the complement: PHYH is on the minus strand). VCF-style: chr10-13281011-T-C. GRCh37 (hg19) VCF-style: chr10-13323011-T-C.
Other names: c.628A>G, p.Lys210Glu (NM_001037537.2, NM_001323080.2); c.934A>G, p.Lys312Glu (NM_001323082.2); c.664A>G, p.Lys222Glu (NM_001323083.2); c.634A>G, p.Lys212Glu (NM_001323084.2); c.928A>G (NM_006214.3); short protein forms K210E, K212E, K222E, K310E, K312E.
Identifiers: ClinVar variation 2069641 (VCV002069641.6), dbSNP rs765337089, ClinGen allele CA5412203.

ClinVar aggregate classification (germline): Uncertain significance. Review status: criteria provided, multiple submitters, no conflicts (2 of 4 stars). 3 submissions from 3 submitters: Uncertain significance (3). Last evaluated 2025-07-31.

Conditions:
PHYH-related disorder. Also called: PHYH-related condition.

Allele frequency attached by ClinVar (database versions not stated): ExAC 0.00002; gnomAD exomes 0.00002; TOPMed 0.00002.

Submissions (3):

PreventionGenetics, part of Exact Sciences
Classification: Uncertain significance for PHYH-related condition. Last evaluated: 2025-07-31. Review status: criteria provided, single submitter. Criteria: ACMG Guidelines, 2015. Collection method: clinical testing. Allele origin: germline.
Comment: The PHYH c.928A>G variant is predicted to result in the amino acid substitution p.Lys310Glu. To our knowledge, this variant has not been reported in the literature. This variant is reported in 0.00088% of alleles in individuals of European (Non-Finnish) descent in gnomAD. At this time, the clinical significance of this variant is uncertain due to the absence of conclusive functional and genetic evidence.

Labcorp Genetics (formerly Invitae), Labcorp
Classification: Uncertain significance. Last evaluated: 2024-11-05. Review status: criteria provided, single submitter. Criteria: Invitae Variant Classification Sherloc (09022015). Collection method: clinical testing. Allele origin: germline.
Comment: This sequence change replaces lysine, which is basic and polar, with glutamic acid, which is acidic and polar, at codon 310 of the PHYH protein (p.Lys310Glu). This variant is present in population databases (rs765337089, gnomAD 0.003%). This variant has not been reported in the literature in individuals affected with PHYH-related conditions. ClinVar contains an entry for this variant (Variation ID: 2069641). An algorithm developed to predict the effect of missense changes on protein structure and function (PolyPhen-2) suggests that this variant is likely to be tolerated. In summary, the available evidence is currently insufficient to determine the role of this variant in disease. Therefore, it has been classified as a Variant of Uncertain Significance.

Blueprint Genetics
Classification: Uncertain significance. Last evaluated: 2022-11-28. Review status: criteria provided, single submitter. Criteria: ACMG Guidelines, 2015. Collection method: clinical testing. Allele origin: germline.